The following is an entry in ClinVar:

NM_000540.3(RYR1):c.1926-18G>C

Gene: RYR1 (ryanodine receptor 1; plus strand). Cytogenetic location: 19q13.2.
Variant type: single nucleotide variant.
Coding change: c.1926-18G>C on transcript NM_000540.3 (MANE Select); 18 bases into the intron before coding-DNA position 1926, G replaced by C.
Molecular consequence: intron variant.
Genome position (GRCh38, 1-based): chr19:38,458,033, G>C. VCF-style: chr19-38458033-G-C. GRCh37 (hg19) VCF-style: chr19-38948673-G-C.
Other names: c.1926-18G>C (NM_001042723.2).
Identifiers: ClinVar variation 510497 (VCV000510497.5), dbSNP rs774226414, ClinGen allele CA062631.

ClinVar aggregate classification (germline): Likely benign. Review status: criteria provided, multiple submitters, no conflicts (2 of 4 stars). 2 submissions from 2 submitters: Likely benign (2). Last evaluated 2025-10-22.

Conditions:
RYR1-related disorder. Also called: RYR1-related condition; RYR1-related disorders. Identifiers: MedGen CN239331.

Allele frequency attached by ClinVar (database versions not stated): TOPMed below 0.00001; ExAC 0.00001; gnomAD 0.00001; gnomAD exomes 0.00001.
gnomAD v4.1: 21 of 1,612,354 alleles (0.0013%); highest among the groups gnomAD compares: Non-Finnish European, 0.0018%; no homozygotes.

Submissions (2):

Labcorp Genetics (formerly Invitae), Labcorp
Classification: Likely benign for RYR1-related disorder. Last evaluated: 2025-10-22. Review status: criteria provided, single submitter. Criteria: Invitae Variant Classification Sherloc (09022015). Collection method: clinical testing. Allele origin: germline.

GeneDx
Classification: Likely benign. Last evaluated: 2017-06-28. Review status: criteria provided, single submitter. Criteria: GeneDx Variant Classification (06012015). Collection method: clinical testing. Allele origin: germline. Affected: yes.
Comment: This variant is considered likely benign or benign based on one or more of the following criteria: it is a conservative change, it occurs at a poorly conserved position in the protein, it is predicted to be benign by multiple in silico algorithms, and/or has population frequency not consistent with disease.